The following is an entry in ClinVar:

ClinVar aggregate classification (germline): Conflicting classifications of pathogenicity. Review status: criteria provided, conflicting classifications (1 of 4 stars). 2 submissions from 2 submitters: Uncertain significance (1); Likely benign (1). Last evaluated 2023-05-16.

gnomAD v4.1: 3 of 1,614,210 alleles (0.00019%); highest among the groups gnomAD compares: South Asian, 0.0011%; no homozygotes.

Submissions (2):

Labcorp Genetics (formerly Invitae), Labcorp
Classification: Uncertain significance. Last evaluated: 2023-05-16. Review status: criteria provided, single submitter. Criteria: Invitae Variant Classification Sherloc (09022015). Collection method: clinical testing. Allele origin: germline.
Comment: In summary, the available evidence is currently insufficient to determine the role of this variant in disease. Therefore, it has been classified as a Variant of Uncertain Significance. Algorithms developed to predict the effect of missense changes on protein structure and function output the following: SIFT: "Not Available"; PolyPhen-2: "Benign"; Align-GVGD: "Not Available". The serine amino acid residue is found in multiple mammalian species, which suggests that this missense change does not adversely affect protein function. ClinVar contains an entry for this variant (Variation ID: 2268925). This variant has not been reported in the literature in individuals affected with RFWD3-related conditions. This variant is not present in population databases (gnomAD no frequency). This sequence change replaces asparagine, which is neutral and polar, with serine, which is neutral and polar, at codon 122 of the RFWD3 protein (p.Asn122Ser).

Ambry Genetics
Classification: Likely benign. Last evaluated: 2022-01-03. Review status: criteria provided, single submitter. Criteria: Ambry Variant Classification Scheme 2023. Collection method: clinical testing. Allele origin: germline.

NM_018124.4(RFWD3):c.365A>G (p.Asn122Ser)

Gene: RFWD3 (ring finger and WD repeat domain 3; minus strand). Cytogenetic location: 16q23.1.
Variant type: single nucleotide variant.
Coding change: c.365A>G on transcript NM_018124.4 (MANE Select); coding-DNA position 365, A replaced by G.
Protein change: p.Asn122Ser; replaces asparagine 122 with serine.
Molecular consequence: missense variant. On other transcripts: 5 prime UTR variant (4), intron variant (1).
Genome position (GRCh38, 1-based): chr16:74,661,085, T>C on the plus strand (A>G on the coding strand, the complement: RFWD3 is on the minus strand). VCF-style: chr16-74661085-T-C. GRCh37 (hg19) VCF-style: chr16-74694983-T-C.
Other names: c.365A>G, p.Asn122Ser (NM_001370534.1, NM_001370535.1, NM_001370536.1); c.-644A>G (NM_001370537.1); c.-267A>G (NM_001370539.1, NM_001370541.1); c.-521A>G (NM_001370542.1); c.-399A>G (NM_001370543.1); c.-317+3539A>G (NM_001370540.1); short protein forms N122S.
Identifiers: ClinVar variation 2268925 (VCV002268925.5), dbSNP rs977485902, ClinGen allele CA396764065.